The following is an entry in ClinVar:

ClinVar aggregate classification (germline): Uncertain significance (1 of 4 stars; one submission).

Conditions:
Congenital myopathy 4B, autosomal recessive. Also called: Nemaline myopathy 1, autosomal dominant or recessive. Identifiers: Orphanet 171433, Orphanet 171439, Orphanet 171881, MedGen C5829889, MONDO:0012239, OMIM 609284.
Congenital myopathy with fiber type disproportion. Also called: Congenital fiber-type disproportion myopathy; Congenital fiber-type disproportion. Identifiers: Orphanet 2020, MedGen C0546264, MONDO:0009711. Inheritance: all.

Allele frequency attached by ClinVar (database versions not stated): gnomAD exomes below 0.00001; TOPMed below 0.00001; gnomAD 0.00001.
gnomAD v4.1: 5 of 1,613,792 alleles (0.00031%); highest among the groups gnomAD compares: African/African-American, 0.0013%; no homozygotes.

Submission:

Labcorp Genetics (formerly Invitae), Labcorp
Classification: Uncertain significance for Congenital myopathy with fiber type disproportion; Congenital myopathy 4B, autosomal recessive. Last evaluated: 2022-02-03. Review status: criteria provided, single submitter. Criteria: Invitae Variant Classification Sherloc (09022015). Collection method: clinical testing. Allele origin: germline.
Comment: This variant is not present in population databases (gnomAD no frequency). This sequence change replaces arginine, which is basic and polar, with glutamine, which is neutral and polar, at codon 22 of the TPM3 protein (p.Arg22Gln). This variant has not been reported in the literature in individuals affected with TPM3-related conditions. ClinVar contains an entry for this variant (Variation ID: 462141). Advanced modeling of protein sequence and biophysical properties (such as structural, functional, and spatial information, amino acid conservation, physicochemical variation, residue mobility, and thermodynamic stability) performed at Invitae indicates that this missense variant is not expected to disrupt TPM3 protein function. In summary, the available evidence is currently insufficient to determine the role of this variant in disease. Therefore, it has been classified as a Variant of Uncertain Significance.

NM_152263.4(TPM3):c.65G>A (p.Arg22Gln)

Gene: TPM3 (tropomyosin 3; minus strand). Cytogenetic location: 1q21.3.
Variant type: single nucleotide variant.
Coding change: c.65G>A on transcript NM_152263.4 (MANE Select); coding-DNA position 65, G replaced by A.
Protein change: p.Arg22Gln; replaces arginine 22 with glutamine.
Molecular consequence: missense variant. On other transcripts: non-coding transcript variant (1).
Genome position (GRCh38, 1-based): chr1:154,191,954, C>T on the plus strand (G>A on the coding strand, the complement: TPM3 is on the minus strand). VCF-style: chr1-154191954-C-T. GRCh37 (hg19) VCF-style: chr1-154164430-C-T.
Other names: c.65G>A, p.Arg22Gln (NM_001364679.2, NM_001364680.2, NM_001364681.2 and 1 more transcripts); short protein forms R22Q.
Identifiers: ClinVar variation 462141 (VCV000462141.9), dbSNP rs1553251640, ClinGen allele CA342587460.